The following is an entry in ClinVar:

ClinVar aggregate classification (germline): Uncertain significance. Review status: criteria provided, multiple submitters, no conflicts (2 of 4 stars). 4 submissions from 4 submitters: Uncertain significance (4). Last evaluated 2024-04-04.

Conditions:
Inborn genetic diseases. Identifiers: MedGen C0950123, MeSH D030342.
Hyperekplexia 4. Identifiers: MedGen C4693933, MONDO:0044330, OMIM 618011.

Allele frequency attached by ClinVar (database versions not stated): ExAC 0.00009; gnomAD 0.00009 and 0.00011; gnomAD exomes 0.00009 and 0.00010; TOPMed 0.00022.
gnomAD v4.1: 143 of 1,605,378 alleles (0.0089%); highest among the groups gnomAD compares: Admixed American, 0.019%; no homozygotes.

Submissions (4):

Genomic Medicine Center of Excellence, King Faisal Specialist Hospital and Research Centre
Classification: Uncertain significance for Hyperekplexia 4. Last evaluated: 2024-04-04. Review status: criteria provided, single submitter. Criteria: ACMG Guidelines, 2015. Collection method: clinical testing. Allele origin: germline.

Labcorp Genetics (formerly Invitae), Labcorp
Classification: Uncertain significance. Last evaluated: 2022-06-04. Review status: criteria provided, single submitter. Criteria: Invitae Variant Classification Sherloc (09022015). Collection method: clinical testing. Allele origin: germline.
Comment: This sequence change replaces isoleucine, which is neutral and non-polar, with valine, which is neutral and non-polar, at codon 41 of the ATAD1 protein (p.Ile41Val). This variant is present in population databases (rs778681381, gnomAD 0.04%). This variant has not been reported in the literature in individuals affected with ATAD1-related conditions. ClinVar contains an entry for this variant (Variation ID: 1364221). Algorithms developed to predict the effect of missense changes on protein structure and function are either unavailable or do not agree on the potential impact of this missense change (SIFT: "Not Available"; PolyPhen-2: "Benign"; Align-GVGD: "Not Available"). In summary, the available evidence is currently insufficient to determine the role of this variant in disease. Therefore, it has been classified as a Variant of Uncertain Significance.

Ambry Genetics
Classification: Uncertain significance for Inborn genetic diseases. Last evaluated: 2021-07-06. Review status: criteria provided, single submitter. Criteria: Ambry Variant Classification Scheme 2023. Collection method: clinical testing. Allele origin: germline.

Pediatric/Medical Genetics, Ministry of Health, Qatif Central Hospital
Classification: Uncertain significance for Hyperekplexia 4. Review status: criteria provided, single submitter. Criteria: ACMG Guidelines, 2015. Collection method: clinical testing. Allele origin: germline. Inheritance: Autosomal recessive inheritance. Affected: yes. Observed: 1 homozygote.

NM_001321967.2(ATAD1):c.121A>G (p.Ile41Val)

Gene: ATAD1 (ATPase family AAA domain containing 1; minus strand). Cytogenetic location: 10q23.31.
Variant type: single nucleotide variant.
Coding change: c.121A>G on transcript NM_001321967.2 (MANE Select); coding-DNA position 121, A replaced by G.
Protein change: p.Ile41Val; replaces isoleucine 41 with valine.
Molecular consequence: missense variant. On other transcripts: 5 prime UTR variant (1), non-coding transcript variant (1).
Genome position (GRCh38, 1-based): chr10:87,814,479, T>C on the plus strand (A>G on the coding strand, the complement: ATAD1 is on the minus strand). VCF-style: chr10-87814479-T-C. GRCh37 (hg19) VCF-style: chr10-89574236-T-C.
Other names: c.121A>G, p.Ile41Val (NM_001321968.2, NM_032810.4); c.-327A>G (NM_001321969.2); c.121A>G (NM_032810.2, NM_032810.3, NM_001321967.1); short protein forms I41V.
Identifiers: ClinVar variation 1364221 (VCV001364221.6), dbSNP rs778681381, ClinGen allele CA5590169.
Genomic context (GRCh38, chr10:87,814,479, plus strand): 5'-TCAAACATTTCAATCATACCTGTTTCTGAGCTTCTACTTTTTGCTTTCTGGTTGGATCAA[T>C]TGCATCTACCATCCATTTGATAGTAAAGTATGTCACTGCACCAAATATTGTCAAACGGAA-3'
Protein context (NP_001308896.1, residues 31-51): YFTIKWMVDA[Ile41Val]DPTRKQKVEA